The following is an entry in ClinVar:

NM_020975.6(RET):c.129C>G (p.Asp43Glu)

Gene: RET (ret proto-oncogene; plus strand). Cytogenetic location: 10q11.21.
Variant type: single nucleotide variant.
Coding change: c.129C>G on transcript NM_020975.6 (MANE Select); coding-DNA position 129, C replaced by G.
Protein change: p.Asp43Glu; replaces aspartic acid 43 with glutamic acid.
Molecular consequence: missense variant.
Genome position (GRCh38, 1-based): chr10:43,100,514, C>G. VCF-style: chr10-43100514-C-G. GRCh37 (hg19) VCF-style: chr10-43595962-C-G.
Other names: c.129C>G, p.Asp43Glu (NM_000323.2, NM_001406743.1, NM_001406744.1 and 34 more transcripts); short protein forms D43E.
Identifiers: ClinVar variation 1951525 (VCV001951525.7), dbSNP rs1488040686, ClinGen allele CA376770157.

ClinVar aggregate classification (germline): Uncertain significance. Review status: criteria provided, multiple submitters, no conflicts (2 of 4 stars). 2 submissions from 2 submitters: Uncertain significance (2). Last evaluated 2025-05-27.

Conditions:
Multiple endocrine neoplasia, type 2 (MEN2). Identifiers: Orphanet 653, MedGen C4048306, MONDO:0019003. Disease mechanism: gain of function.
Hereditary cancer-predisposing syndrome. Also called: Hereditary neoplastic syndrome; Tumor predisposition; Hereditary Cancer Syndrome; Neoplastic Syndromes, Hereditary. Identifiers: Orphanet 140162, MedGen C0027672, MeSH D009386, MONDO:0015356.

Submissions (2):

Labcorp Genetics (formerly Invitae), Labcorp
Classification: Uncertain significance for Multiple endocrine neoplasia, type 2. Last evaluated: 2025-05-27. Review status: criteria provided, single submitter. Criteria: Invitae Variant Classification Sherloc (09022015). Collection method: clinical testing. Allele origin: germline.
Comment: This sequence change replaces aspartic acid, which is acidic and polar, with glutamic acid, which is acidic and polar, at codon 43 of the RET protein (p.Asp43Glu). This variant is not present in population databases (gnomAD no frequency). This variant has not been reported in the literature in individuals affected with RET-related conditions. ClinVar contains an entry for this variant (Variation ID: 1951525). An algorithm developed to predict the effect of missense changes on protein structure and function (PolyPhen-2) suggests that this variant is likely to be disruptive. In summary, the available evidence is currently insufficient to determine the role of this variant in disease. Therefore, it has been classified as a Variant of Uncertain Significance.

Ambry Genetics
Classification: Uncertain significance for Hereditary cancer-predisposing syndrome. Last evaluated: 2023-08-04. Review status: criteria provided, single submitter. Criteria: Ambry Variant Classification Scheme 2023. Collection method: clinical testing. Allele origin: germline.
Comment: The p.D43E variant (also known as c.129C>G), located in coding exon 2 of the RET gene, results from a C to G substitution at nucleotide position 129. The aspartic acid at codon 43 is replaced by glutamic acid, an amino acid with highly similar properties. This amino acid position is well conserved in available vertebrate species. In addition, this alteration is predicted to be tolerated by in silico analysis. Since supporting evidence is limited at this time, the clinical significance of this alteration remains unclear.